The following is an entry in ClinVar:

NM_005276.4(GPD1):c.812G>A (p.Arg271Gln)

Gene: GPD1 (glycerol-3-phosphate dehydrogenase 1; plus strand). Cytogenetic location: 12q13.12.
Variant type: single nucleotide variant.
Coding change: c.812G>A on transcript NM_005276.4 (MANE Select); coding-DNA position 812, G replaced by A.
Protein change: p.Arg271Gln; replaces arginine 271 with glutamine.
Molecular consequence: missense variant.
Genome position (GRCh38, 1-based): chr12:50,107,766, G>A. VCF-style: chr12-50107766-G-A. GRCh37 (hg19) VCF-style: chr12-50501549-G-A.
Other names: c.743G>A, p.Arg248Gln (NM_001257199.2); c.812G>A (NM_005276.2, NM_005276.3); short protein forms R248Q, R271Q.
Identifiers: ClinVar variation 1460645 (VCV001460645.8), dbSNP rs141722369, ClinGen allele CA6561752.

ClinVar aggregate classification (germline): Uncertain significance. Review status: criteria provided, multiple submitters, no conflicts (2 of 4 stars). 3 submissions from 3 submitters: Uncertain significance (3). Last evaluated 2025-08-09.

Conditions:
Inborn genetic diseases. Identifiers: MedGen C0950123, MeSH D030342.

Allele frequency attached by ClinVar (database versions not stated): gnomAD exomes 0.00012; ESP Exome Variant Server 0.00015; gnomAD 0.00015 and 0.00016; TOPMed 0.00015; ExAC 0.00017.

Submissions (3):

Ambry Genetics
Classification: Uncertain significance for Inborn genetic diseases. Last evaluated: 2025-08-09. Review status: criteria provided, single submitter. Criteria: Ambry Variant Classification Scheme 2023. Collection method: clinical testing. Allele origin: germline.

GeneDx
Classification: Uncertain significance. Last evaluated: 2024-09-19. Review status: criteria provided, single submitter. Criteria: GeneDx Variant Classification Process June 2021. Collection method: clinical testing. Allele origin: germline. Affected: yes.
Comment: In silico analysis supports that this missense variant has a deleterious effect on protein structure/function; Has not been previously published as pathogenic or benign to our knowledge

Labcorp Genetics (formerly Invitae), Labcorp
Classification: Uncertain significance. Last evaluated: 2024-05-14. Review status: criteria provided, single submitter. Criteria: Invitae Variant Classification Sherloc (09022015). Collection method: clinical testing. Allele origin: germline.
Comment: This sequence change replaces arginine, which is basic and polar, with glutamine, which is neutral and polar, at codon 271 of the GPD1 protein (p.Arg271Gln). This variant is present in population databases (rs141722369, gnomAD 0.03%). This variant has not been reported in the literature in individuals affected with GPD1-related conditions. ClinVar contains an entry for this variant (Variation ID: 1460645). Advanced modeling of protein sequence and biophysical properties (such as structural, functional, and spatial information, amino acid conservation, physicochemical variation, residue mobility, and thermodynamic stability) has been performed at Invitae for this missense variant, however the output from this modeling did not meet the statistical confidence thresholds required to predict the impact of this variant on GPD1 protein function. In summary, the available evidence is currently insufficient to determine the role of this variant in disease. Therefore, it has been classified as a Variant of Uncertain Significance.